The following is an entry in ClinVar:

NM_015690.5(STK36):c.2368C>G (p.Leu790Val)

Gene: STK36 (serine/threonine kinase 36; plus strand). Cytogenetic location: 2q35.
Variant type: single nucleotide variant.
Coding change: c.2368C>G on transcript NM_015690.5 (MANE Select); coding-DNA position 2368, C replaced by G.
Protein change: p.Leu790Val; replaces leucine 790 with valine.
Molecular consequence: missense variant.
Genome position (GRCh38, 1-based): chr2:218,694,295, C>G. VCF-style: chr2-218694295-C-G. GRCh37 (hg19) VCF-style: chr2-219559018-C-G.
Other names: c.2368C>G, p.Leu790Val (NM_001243313.2, NM_001369423.1); short protein forms L790V.
Identifiers: ClinVar variation 783353 (VCV000783353.9), dbSNP rs73079072, ClinGen allele CA2111096.

ClinVar aggregate classification (germline): Benign. Review status: criteria provided, multiple submitters, no conflicts (2 of 4 stars). 4 submissions from 4 submitters: Benign (3). 1 of the submissions does not count toward it. Last evaluated 2021-05-04.

Conditions:
STK36-related disorder. Also called: STK36-related condition.

Allele frequency attached by ClinVar (database versions not stated): ESP Exome Variant Server 0.02353; gnomAD exomes 0.00528 and 0.00208; gnomAD 0.02194 and 0.02033; ExAC 0.00647; 1000 Genomes Project 0.01857; 1000 Genomes Project 30x 0.02217; TOPMed 0.02314.
gnomAD v4.1: 6,262 of 1,614,112 alleles (0.39%); highest among the groups gnomAD compares: African/African-American, 7.1%; 203 homozygotes.

Submissions (4):

GeneDx
Classification: Benign. Last evaluated: 2021-05-04. Review status: criteria provided, single submitter. Criteria: GeneDx Variant Classification Process June 2021. Collection method: clinical testing. Allele origin: germline. Affected: yes.

Labcorp Genetics (formerly Invitae), Labcorp
Classification: Benign. Last evaluated: 2019-12-31. Review status: criteria provided, single submitter. Criteria: Invitae Variant Classification Sherloc (09022015). Collection method: clinical testing. Allele origin: germline.

Breakthrough Genomics
Classification: Benign. Review status: criteria provided, single submitter. Criteria: ACMG Guidelines, 2015. Collection method: not provided. Allele origin: germline. Inheritance: Autosomal recessive inheritance. Affected: yes.

PreventionGenetics, part of Exact Sciences
Classification: Benign for STK36-related condition. Last evaluated: 2019-06-24. Review status: no assertion criteria provided. Collection method: clinical testing. Allele origin: germline. Not counted in ClinVar's aggregate classification.
Comment: This variant is classified as benign based on ACMG/AMP sequence variant interpretation guidelines (Richards et al. 2015 PMID: 25741868, with internal and published modifications).